The following is an entry in ClinVar:

ClinVar aggregate classification (germline): Conflicting classifications of pathogenicity. Review status: criteria provided, conflicting classifications (1 of 4 stars). 3 submissions from 3 submitters: Uncertain significance (2); Likely benign (1). Last evaluated 2025-05-01.

Conditions:
Inborn genetic diseases. Identifiers: MedGen C0950123, MeSH D030342.
Primary ciliary dyskinesia 33. Also called: CILIARY DYSKINESIA, PRIMARY, 33, WITHOUT SITUS INVERSUS. Identifiers: Orphanet 244, MedGen C4225230, MONDO:0014750, OMIM 616726.

Allele frequency attached by ClinVar (database versions not stated): TOPMed 0.00008; 1000 Genomes Project 0.00020; ESP Exome Variant Server 0.00008; gnomAD exomes 0.00009; 1000 Genomes Project 30x 0.00016; ExAC 0.00010; gnomAD 0.00007.
gnomAD v4.1: 148 of 1,613,612 alleles (0.0092%); highest among the groups gnomAD compares: South Asian, 0.0099%; no homozygotes.

Submissions (3):

Labcorp Genetics (formerly Invitae), Labcorp
Classification: Likely benign for Primary ciliary dyskinesia 33. Last evaluated: 2025-05-01. Review status: criteria provided, single submitter. Criteria: Invitae Variant Classification Sherloc (09022015). Collection method: clinical testing. Allele origin: germline.

GeneDx
Classification: Uncertain significance. Last evaluated: 2024-07-24. Review status: criteria provided, single submitter. Criteria: GeneDx Variant Classification Process June 2021. Collection method: clinical testing. Allele origin: germline. Affected: yes.
Comment: In silico analysis indicates that this missense variant does not alter protein structure/function; Has not been previously published as pathogenic or benign to our knowledge

Ambry Genetics
Classification: Uncertain significance for Inborn genetic diseases. Last evaluated: 2023-02-14. Review status: criteria provided, single submitter. Criteria: Ambry Variant Classification Scheme 2023. Collection method: clinical testing. Allele origin: germline.

NM_001481.3(DRC4):c.1354G>A (p.Val452Met)

Gene: DRC4 (dynein regulatory complex subunit 4; plus strand). Cytogenetic location: 16q24.3.
Variant type: single nucleotide variant.
Coding change: c.1354G>A on transcript NM_001481.3 (MANE Select); coding-DNA position 1354, G replaced by A.
Protein change: p.Val452Met; replaces valine 452 with methionine.
Molecular consequence: missense variant. On other transcripts: non-coding transcript variant (1).
Genome position (GRCh38, 1-based): chr16:90,043,262, G>A. VCF-style: chr16-90043262-G-A. GRCh37 (hg19) VCF-style: chr16-90109670-G-A.
Other names: c.1105G>A, p.Val369Met (NM_001286205.2); c.778G>A, p.Val260Met (NM_001286208.2); c.1279G>A, p.Val427Met (NM_001286209.2); c.1354G>A (NM_001481.2); short protein forms V452M, V369M, V427M, V260M.
Identifiers: ClinVar variation 2048643 (VCV002048643.7), dbSNP rs147628922, ClinGen allele CA8258250.
Genomic context (GRCh38, chr16:90,043,262, plus strand): 5'-AACGACCTGCTGCGCACGTATGAGGCAAAGCTGCTGGCCTTCGGGATCCCTCTGGACAAC[G>A]TGGGCTTCAAGCCCTTGGAAACAGCTGTGATCGGACAGACACTGGGCCAGGGCCCCGCGG-3'
Protein context (NP_001472.1, residues 442-462): LLAFGIPLDN[Val452Met]GFKPLETAVI